The following is an entry in ClinVar:

NM_000218.3(KCNQ1):c.1514+12602del

Genes: KCNQ1 (potassium voltage-gated channel subfamily Q member 1; plus strand), KCNQ1OT1 (KCNQ1 opposite strand/antisense transcript 1; minus strand). Cytogenetic location: 11p15.5.
Variant type: Deletion.
Coding change: c.1514+12602del on transcript NM_000218.3 (MANE Select); 12602 bases into the intron after coding-DNA position 1514, one base deleted (T; older notation c.1514+12602delT).
Molecular consequence: intron variant. On other transcripts: non-coding transcript variant (1).
Genome position (GRCh38, 1-based): chr11:2,674,683, T deleted; the last of 2 consecutive T bases (chr11:2,674,682-2,674,683); deleting either gives the same sequence. VCF-style (leftmost placement, unchanged base first): chr11-2674681-GT-G. GRCh37 (hg19) VCF-style: chr11-2695911-GT-G.
Other names: c.1244+12602del (NM_001406837.1); c.1418+12602del (NM_001406836.1); c.974+12602del (NM_001406838.1); c.1133+12602del (NM_181798.2).
Identifiers: ClinVar variation 2641472 (VCV002641472.24), dbSNP rs780637677, ClinGen allele CA216180405.

ClinVar aggregate classification (germline): Likely benign (1 of 4 stars; one submission).

Submission:

CeGaT Center for Human Genetics Tuebingen
Classification: Likely benign. Last evaluated: 2026-09-01. Review status: criteria provided, single submitter. Criteria: CeGaT Center For Human Genetics Tuebingen Variant Classification Criteria Version 2. Collection method: clinical testing. Allele origin: germline. Affected: yes. Observed: 10 variant alleles.
Comment: KCNQ1OT1: BS1